The following is an entry in ClinVar:

ClinVar aggregate classification (germline): Uncertain significance. Review status: criteria provided, multiple submitters, no conflicts (2 of 4 stars). 3 submissions from 3 submitters: Uncertain significance (3). Last evaluated 2024-09-30.

Conditions:
Myopathy, proximal, and ophthalmoplegia (CMYO6). Also called: MYOPATHY WITH CONGENITAL JOINT CONTRACTURES, OPHTHALMOPLEGIA, AND RIMMED VACUOLES; INCLUSION BODY MYOPATHY 3, AUTOSOMAL DOMINANT; CONGENITAL MYOPATHY 6 WITH OPHTHALMOPLEGIA. Identifiers: Orphanet 363677, Orphanet 79091, MedGen C1854106, MONDO:0011577, OMIM 605637.

Allele frequency attached by ClinVar (database versions not stated): gnomAD 0.00001; TOPMed 0.00003; ExAC 0.00004; ESP Exome Variant Server 0.00008.
gnomAD v4.1: 41 of 1,613,956 alleles (0.0025%); highest among the groups gnomAD compares: Middle Eastern, 0.016%; no homozygotes.

Submissions (3):

Labcorp Genetics (formerly Invitae), Labcorp
Classification: Uncertain significance for Myopathy, proximal, and ophthalmoplegia. Last evaluated: 2024-09-30. Review status: criteria provided, single submitter. Criteria: Invitae Variant Classification Sherloc (09022015). Collection method: clinical testing. Allele origin: germline.
Comment: This sequence change replaces arginine, which is basic and polar, with cysteine, which is neutral and slightly polar, at codon 24 of the MYH2 protein (p.Arg24Cys). This variant is present in population databases (rs150705907, gnomAD 0.006%). This variant has not been reported in the literature in individuals affected with MYH2-related conditions. ClinVar contains an entry for this variant (Variation ID: 2164375). Invitae Evidence Modeling of protein sequence and biophysical properties (such as structural, functional, and spatial information, amino acid conservation, physicochemical variation, residue mobility, and thermodynamic stability) indicates that this missense variant is not expected to disrupt MYH2 protein function with a negative predictive value of 80%. In summary, the available evidence is currently insufficient to determine the role of this variant in disease. Therefore, it has been classified as a Variant of Uncertain Significance.

CeGaT Center for Human Genetics Tuebingen
Classification: Uncertain significance. Last evaluated: 2023-07-01. Review status: criteria provided, single submitter. Criteria: CeGaT Center For Human Genetics Tuebingen Variant Classification Criteria Version 2. Collection method: clinical testing. Allele origin: germline. Affected: yes. Observed: 1 variant allele.

Revvity Omics, Revvity
Classification: Uncertain significance for Myopathy, proximal, and ophthalmoplegia. Last evaluated: 2019-11-06. Review status: criteria provided, single submitter. Criteria: ACMG Guidelines, 2015. Collection method: clinical testing. Allele origin: germline.

NM_017534.6(MYH2):c.70C>T (p.Arg24Cys)

Genes: MYH2 (myosin heavy chain 2; minus strand), MYHAS (myosin heavy chain gene cluster antisense RNA; plus strand). Cytogenetic location: 17p13.1.
Variant type: single nucleotide variant.
Coding change: c.70C>T on transcript NM_017534.6 (MANE Select); coding-DNA position 70, C replaced by T.
Protein change: p.Arg24Cys; replaces arginine 24 with cysteine.
Molecular consequence: missense variant.
Genome position (GRCh38, 1-based): chr17:10,547,851, G>A on the plus strand (C>T on the coding strand, the complement: MYH2 is on the minus strand). VCF-style: chr17-10547851-G-A. GRCh37 (hg19) VCF-style: chr17-10451168-G-A.
Other names: c.70C>T, p.Arg24Cys (NM_001100112.2); short protein forms R24C.
Identifiers: ClinVar variation 2164375 (VCV002164375.32), dbSNP rs150705907, ClinGen allele CA8391741.